The following is an entry in ClinVar:

NM_001079843.3(CASZ1):c.4835C>T (p.Pro1612Leu)

Gene: CASZ1 (castor zinc finger 1; minus strand). Cytogenetic location: 1p36.22.
Variant type: single nucleotide variant.
Coding change: c.4835C>T on transcript NM_001079843.3 (MANE Select); coding-DNA position 4835, C replaced by T.
Protein change: p.Pro1612Leu; replaces proline 1612 with leucine.
Molecular consequence: missense variant.
Genome position (GRCh38, 1-based): chr1:10,639,387, G>A on the plus strand (C>T on the coding strand, the complement: CASZ1 is on the minus strand). VCF-style: chr1-10639387-G-A. GRCh37 (hg19) VCF-style: chr1-10699444-G-A.
Other names: short protein forms P1612L.
Identifiers: ClinVar variation 1898206 (VCV001898206.5), dbSNP rs1271787619, ClinGen allele CA338345238.

ClinVar aggregate classification (germline): Uncertain significance (1 of 4 stars; one submission).

Allele frequency attached by ClinVar (database versions not stated): TOPMed 0.00001; gnomAD exomes below 0.00001; gnomAD 0.00001.
gnomAD v4.1: 7 of 1,544,032 alleles (0.00045%); highest among the groups gnomAD compares: Non-Finnish European, 0.00061%; no homozygotes.

Submission:

Labcorp Genetics (formerly Invitae), Labcorp
Classification: Uncertain significance. Last evaluated: 2022-10-04. Review status: criteria provided, single submitter. Criteria: Invitae Variant Classification Sherloc (09022015). Collection method: clinical testing. Allele origin: germline.
Comment: This sequence change replaces proline, which is neutral and non-polar, with leucine, which is neutral and non-polar, at codon 1612 of the CASZ1 protein (p.Pro1612Leu). This variant is not present in population databases (gnomAD no frequency). This variant has not been reported in the literature in individuals affected with CASZ1-related conditions. Algorithms developed to predict the effect of missense changes on protein structure and function (SIFT, PolyPhen-2, Align-GVGD) all suggest that this variant is likely to be tolerated. In summary, the available evidence is currently insufficient to determine the role of this variant in disease. Therefore, it has been classified as a Variant of Uncertain Significance.